The following is an entry in ClinVar:

ClinVar aggregate classification (germline): Uncertain significance (1 of 4 stars; one submission).

Conditions:
Cardiovascular phenotype. Identifiers: MedGen CN230736.

gnomAD v4.1: 1 of 1,613,904 alleles (0.000062%); highest among the groups gnomAD compares: Middle Eastern, 0.017%; no homozygotes.

Submission:

Ambry Genetics
Classification: Uncertain significance for Cardiovascular phenotype. Last evaluated: 2025-05-10. Review status: criteria provided, single submitter. Criteria: Ambry Variant Classification Scheme 2023. Collection method: clinical testing. Allele origin: germline.
Comment: The p.A232V variant (also known as c.695C>T), located in coding exon 5 of the LAMA4 gene, results from a C to T substitution at nucleotide position 695. The alanine at codon 232 is replaced by valine, an amino acid with similar properties. This amino acid position is conserved. In addition, the in silico prediction for this alteration is inconclusive. Based on the available evidence, the clinical significance of this variant remains unclear.

NM_001105206.3(LAMA4):c.695C>T (p.Ala232Val)

Gene: LAMA4 (laminin subunit alpha 4; minus strand). Cytogenetic location: 6q21.
Variant type: single nucleotide variant.
Coding change: c.695C>T on transcript NM_001105206.3 (MANE Select); coding-DNA position 695, C replaced by T.
Protein change: p.Ala232Val; replaces alanine 232 with valine.
Molecular consequence: missense variant.
Genome position (GRCh38, 1-based): chr6:112,191,659, G>A on the plus strand (C>T on the coding strand, the complement: LAMA4 is on the minus strand). VCF-style: chr6-112191659-G-A. GRCh37 (hg19) VCF-style: chr6-112512861-G-A.
Other names: c.695C>T, p.Ala232Val (NM_001105207.3, NM_002290.5); short protein forms A232V.
Identifiers: ClinVar variation 4045954 (VCV004045954.1).